The following is an entry in ClinVar:

ClinVar aggregate classification (germline): Uncertain significance. Review status: criteria provided, multiple submitters, no conflicts (2 of 4 stars). 2 submissions from 2 submitters: Uncertain significance (2). Last evaluated 2023-08-10.

Conditions:
Fanconi anemia complementation group O. Also called: RAD51C-Related Fanconi Anemia. Identifiers: Orphanet 84, MedGen C3150653, MONDO:0013248, OMIM 613390.
Breast-ovarian cancer, familial, susceptibility to, 3. Also called: RAD51C-Related Breast/Ovarian Cancer. Identifiers: Orphanet 145, MedGen C3150659, MONDO:0013253, OMIM 613399.

Submissions (2):

Baylor Genetics
Classification: Uncertain significance for Breast-ovarian cancer, familial, susceptibility to, 3. Last evaluated: 2023-08-10. Review status: criteria provided, single submitter. Criteria: ACMG Guidelines, 2015. Collection method: clinical testing. Allele origin: unknown.

Labcorp Genetics (formerly Invitae), Labcorp
Classification: Uncertain significance for Fanconi anemia complementation group O. Last evaluated: 2023-04-19. Review status: criteria provided, single submitter. Criteria: Invitae Variant Classification Sherloc (09022015). Collection method: clinical testing. Allele origin: germline.
Comment: In summary, the available evidence is currently insufficient to determine the role of this variant in disease. Therefore, it has been classified as a Variant of Uncertain Significance. Variants that disrupt the consensus splice site are a relatively common cause of aberrant splicing (PMID: 17576681, 9536098). Studies have shown that this variant is associated with altered splicing, but the impact on the resulting protein product is unknown (Invitae). ClinVar contains an entry for this variant (Variation ID: 2033298). This variant has not been reported in the literature in individuals affected with RAD51C-related conditions. This variant is not present in population databases (gnomAD no frequency). This sequence change falls in intron 3 of the RAD51C gene. It does not directly change the encoded amino acid sequence of the RAD51C protein. It affects a nucleotide within the consensus splice site.

Literature cited by the submitters: PubMed 17576681 (cited by Labcorp Genetics (formerly Invitae), Labcorp); PubMed 9536098 (cited by Labcorp Genetics (formerly Invitae), Labcorp).

NM_058216.3(RAD51C):c.571+3_571+6del

Gene: RAD51C (RAD51 paralog C; plus strand). Cytogenetic location: 17q22.
Variant type: Deletion.
Coding change: c.571+3_571+6del on transcript NM_058216.3 (MANE Select); bases 3 to 6 of the intron after coding-DNA position 571, 4 bases deleted (AAGT; older notation c.571+3_571+6delAAGT).
Molecular consequence: splice donor variant.
Genome position (GRCh38, 1-based): chr17:58,696,862-58,696,865, AAGT deleted; deleting any 4 consecutive bases within chr17:58,696,860-58,696,865 gives the same sequence; the c. name uses the placement nearest the transcript's 3' end. VCF-style (leftmost placement, unchanged base first): chr17-58696859-GGTAA-G. GRCh37 (hg19) VCF-style: chr17-56774220-GGTAA-G.
Identifiers: ClinVar variation 2033298 (VCV002033298.5), dbSNP rs2509283752, ClinGen allele CA2576336356.